The following is an entry in ClinVar:

ClinVar aggregate classification (germline): Uncertain significance. Review status: criteria provided, multiple submitters, no conflicts (2 of 4 stars). 2 submissions from 2 submitters: Uncertain significance (2). Last evaluated 2025-01-07.

Conditions:
Epileptic encephalopathy. Identifiers: MedGen C0543888, HP:0200134.

Allele frequency attached by ClinVar (database versions not stated): TOPMed below 0.00001; gnomAD 0.00001; gnomAD exomes 0.00001.
gnomAD v4.1: 16 of 1,551,826 alleles (0.001%); highest among the groups gnomAD compares: African/African-American, 0.0027%; no homozygotes.

Submissions (2):

Ambry Genetics
Classification: Uncertain significance. Last evaluated: 2025-01-07. Review status: criteria provided, single submitter. Criteria: Ambry Variant Classification Scheme 2023. Collection method: clinical testing. Allele origin: germline.

Labcorp Genetics (formerly Invitae), Labcorp
Classification: Uncertain significance for Epileptic encephalopathy. Last evaluated: 2020-10-12. Review status: criteria provided, single submitter. Criteria: Invitae Variant Classification Sherloc (09022015). Collection method: clinical testing. Allele origin: germline.
Comment: This variant has not been reported in the literature in individuals with RYR3-related conditions. This variant is not present in population databases (ExAC no frequency). This sequence change replaces arginine with glutamine at codon 3755 of the RYR3 protein (p.Arg3755Gln). The arginine residue is highly conserved and there is a small physicochemical difference between arginine and glutamine. Algorithms developed to predict the effect of missense changes on protein structure and function are either unavailable or do not agree on the potential impact of this missense change (SIFT: "Deleterious"; PolyPhen-2: "Probably Damaging"; Align-GVGD: "Class C0"). Algorithms developed to predict the effect of sequence changes on RNA splicing suggest that this variant may create or strengthen a splice site, but this prediction has not been confirmed by published transcriptional studies. In summary, the available evidence is currently insufficient to determine the role of this variant in disease. Therefore, it has been classified as a Variant of Uncertain Significance.

NM_001036.6(RYR3):c.11264G>A (p.Arg3755Gln)

Gene: RYR3 (ryanodine receptor 3; plus strand). Cytogenetic location: 15q14.
Variant type: single nucleotide variant.
Coding change: c.11264G>A on transcript NM_001036.6 (MANE Select); coding-DNA position 11264, G replaced by A.
Protein change: p.Arg3755Gln; replaces arginine 3755 with glutamine.
Molecular consequence: missense variant.
Genome position (GRCh38, 1-based): chr15:33,827,217, G>A. VCF-style: chr15-33827217-G-A. GRCh37 (hg19) VCF-style: chr15-34119418-G-A.
Other names: c.11249G>A, p.Arg3750Gln (NM_001243996.4); c.11264G>A (NM_001036.3); short protein forms R3750Q, R3755Q.
Identifiers: ClinVar variation 1024422 (VCV001024422.9), dbSNP rs767795631, ClinGen allele CA268581577.